The following is an entry in ClinVar:

NM_001317162.2(PLAGL1):c.1383A>G (p.Ala461=)

Gene: PLAGL1 (PLAG1 like zinc finger 1; minus strand). Cytogenetic location: 6q24.2.
Variant type: single nucleotide variant.
Coding change: c.1383A>G on transcript NM_001317162.2 (MANE Select); coding-DNA position 1383, A replaced by G.
Protein change: p.Ala461=; no amino-acid change (alanine 461 retained).
Molecular consequence: synonymous variant.
Genome position (GRCh38, 1-based): chr6:143,941,433, T>C on the plus strand (A>G on the coding strand, the complement: PLAGL1 is on the minus strand). VCF-style: chr6-143941433-T-C. GRCh37 (hg19) VCF-style: chr6-144262570-T-C.
Other names: c.1383A>G, p.Ala461= (NM_001080951.3, NM_001080952.3, NM_001080953.3 and 14 more transcripts); c.1227A>G, p.Ala409= (NM_001080955.3, NM_001080956.3, NM_001289037.2 and 6 more transcripts).
Identifiers: ClinVar variation 5039197 (VCV005039197.1).

ClinVar aggregate classification (germline): Likely benign (1 of 4 stars; one submission).

gnomAD v4.1: 7 of 1,500,034 alleles (0.00047%); highest among the groups gnomAD compares: Non-Finnish European, 0.00062%; no homozygotes.

Submission:

CeGaT Center for Human Genetics Tuebingen
Classification: Likely benign. Last evaluated: 2026-07-01. Review status: criteria provided, single submitter. Criteria: CeGaT Center For Human Genetics Tuebingen Variant Classification Criteria Version 2. Collection method: clinical testing. Allele origin: germline. Affected: yes. Observed: 1 variant allele.
Comment: PLAGL1: BP4, BP7